The following is an entry in ClinVar:

ClinVar aggregate classification (germline): Uncertain significance. Review status: criteria provided, multiple submitters, no conflicts (2 of 4 stars). 2 submissions from 2 submitters: Uncertain significance (2). Last evaluated 2026-01-09.

Conditions:
Tumor predisposition syndrome 3 (TPDS3). Also called: Melanoma, cutaneous malignant, susceptibility to, 10; LONG TELOMERE SYNDROME, POT1-RELATED; POT1 Tumor Predisposition; Glioma susceptibility 9. Identifiers: Orphanet 618, MedGen C4014476, MONDO:0014368, OMIM 615848.
Hereditary cancer-predisposing syndrome. Also called: Tumor predisposition; Neoplastic Syndromes, Hereditary; Hereditary Cancer Syndrome; Hereditary neoplastic syndrome. Identifiers: Orphanet 140162, MedGen C0027672, MeSH D009386, MONDO:0015356.

Submissions (2):

Ambry Genetics
Classification: Uncertain significance for Hereditary cancer-predisposing syndrome. Last evaluated: 2026-01-09. Review status: criteria provided, single submitter. Criteria: Ambry Variant Classification Scheme 2023. Collection method: clinical testing. Allele origin: germline.
Comment: The p.S517F variant (also known as c.1550C>T), located in coding exon 12 of the POT1 gene, results from a C to T substitution at nucleotide position 1550. The serine at codon 517 is replaced by phenylalanine, an amino acid with highly dissimilar properties. This amino acid position is conserved. In addition, this alteration is predicted to be tolerated by in silico analysis. Based on the available evidence, the clinical significance of this variant remains unclear.

Labcorp Genetics (formerly Invitae), Labcorp
Classification: Uncertain significance for Tumor predisposition syndrome 3. Last evaluated: 2021-03-18. Review status: criteria provided, single submitter. Criteria: Invitae Variant Classification Sherloc (09022015). Collection method: clinical testing. Allele origin: germline.
Comment: In summary, the available evidence is currently insufficient to determine the role of this variant in disease. Therefore, it has been classified as a Variant of Uncertain Significance. This sequence change replaces serine with phenylalanine at codon 517 of the POT1 protein (p.Ser517Phe). The serine residue is highly conserved and there is a large physicochemical difference between serine and phenylalanine. This variant is not present in population databases (ExAC no frequency). This variant has not been reported in the literature in individuals with POT1-related conditions. Algorithms developed to predict the effect of missense changes on protein structure and function are either unavailable or do not agree on the potential impact of this missense change (SIFT: "Deleterious"; PolyPhen-2: "Benign"; Align-GVGD: "Class C0").

NM_015450.3(POT1):c.1550C>T (p.Ser517Phe)

Gene: POT1 (protection of telomeres 1; minus strand). Cytogenetic location: 7q31.33.
Variant type: single nucleotide variant.
Coding change: c.1550C>T on transcript NM_015450.3 (MANE Select); coding-DNA position 1550, C replaced by T.
Protein change: p.Ser517Phe; replaces serine 517 with phenylalanine.
Molecular consequence: missense variant. On other transcripts: non-coding transcript variant (2).
Genome position (GRCh38, 1-based): chr7:124,829,298, G>A on the plus strand (C>T on the coding strand, the complement: POT1 is on the minus strand). VCF-style: chr7-124829298-G-A. GRCh37 (hg19) VCF-style: chr7-124469352-G-A.
Other names: c.1157C>T, p.Ser386Phe (NM_001042594.2); c.1550C>T (NM_015450.2); short protein forms S517F, S386F.
Identifiers: ClinVar variation 1462466 (VCV001462466.9), dbSNP rs2116422122, ClinGen allele CA369064489.